The following is an entry in ClinVar:

NM_001953.5(TYMP):c.446G>A (p.Gly149Glu)

Gene: TYMP (thymidine phosphorylase; minus strand). Cytogenetic location: 22q13.33.
Variant type: single nucleotide variant.
Coding change: c.446G>A on transcript NM_001953.5 (MANE Select); coding-DNA position 446, G replaced by A.
Protein change: p.Gly149Glu; replaces glycine 149 with glutamic acid.
Molecular consequence: missense variant.
Genome position (GRCh38, 1-based): chr22:50,528,582, C>T on the plus strand (G>A on the coding strand, the complement: TYMP is on the minus strand). VCF-style: chr22-50528582-C-T. GRCh37 (hg19) VCF-style: chr22-50967011-C-T.
Other names: c.446G>A, p.Gly149Glu (NM_001113755.3, NM_001113756.3, NM_001257988.1 and 1 more transcripts); short protein forms G149E.
Identifiers: ClinVar variation 3767835 (VCV003767835.2).

ClinVar aggregate classification (germline): Uncertain significance. Review status: criteria provided, multiple submitters, no conflicts (2 of 4 stars). 2 submissions from 2 submitters: Uncertain significance (2). Last evaluated 2025-10-06.

Submissions (2):

Labcorp Genetics (formerly Invitae), Labcorp
Classification: Uncertain significance. Last evaluated: 2025-10-06. Review status: criteria provided, single submitter. Criteria: Invitae Variant Classification Sherloc (09022015). Collection method: clinical testing. Allele origin: germline.
Comment: This sequence change replaces glycine, which is neutral and non-polar, with glutamic acid, which is acidic and polar, at codon 149 of the TYMP protein (p.Gly149Glu). This variant is not present in population databases (gnomAD no frequency). This variant has not been reported in the literature in individuals affected with TYMP-related conditions. ClinVar contains an entry for this variant (Variation ID: 3767835). An algorithm developed to predict the effect of missense changes on protein structure and function outputs the following: PolyPhen-2: "Possibly Damaging". The glutamic acid amino acid residue is found in multiple mammalian species, which suggests that this missense change does not adversely affect protein function. In summary, the available evidence is currently insufficient to determine the role of this variant in disease. Therefore, it has been classified as a Variant of Uncertain Significance.

GeneDx
Classification: Uncertain significance. Last evaluated: 2024-09-05. Review status: criteria provided, single submitter. Criteria: GeneDx Variant Classification Process June 2021. Collection method: clinical testing. Allele origin: germline. Affected: yes.
Comment: Not observed at significant frequency in large population cohorts (gnomAD); In silico analysis supports that this missense variant has a deleterious effect on protein structure/function; Has not been previously published as pathogenic or benign to our knowledge